The following is an entry in ClinVar:

ClinVar aggregate classification (germline): Uncertain significance. Review status: criteria provided, multiple submitters, no conflicts (2 of 4 stars). 2 submissions from 2 submitters: Uncertain significance (2). Last evaluated 2025-08-05.

Conditions:
Inborn genetic diseases. Identifiers: MedGen C0950123, MeSH D030342.

Allele frequency attached by ClinVar (database versions not stated): gnomAD exomes below 0.00001; TOPMed 0.00002; ExAC 0.00004.
gnomAD v4.1: 3 of 1,489,350 alleles (0.0002%); highest among the groups gnomAD compares: Non-Finnish European, 0.00027%; no homozygotes.

Submissions (2):

Ambry Genetics
Classification: Uncertain significance for Inborn genetic diseases. Last evaluated: 2025-08-05. Review status: criteria provided, single submitter. Criteria: Ambry Variant Classification Scheme 2023. Collection method: clinical testing. Allele origin: germline.

Labcorp Genetics (formerly Invitae), Labcorp
Classification: Uncertain significance. Last evaluated: 2024-10-22. Review status: criteria provided, single submitter. Criteria: Invitae Variant Classification Sherloc (09022015). Collection method: clinical testing. Allele origin: germline.
Comment: This sequence change replaces serine, which is neutral and polar, with phenylalanine, which is neutral and non-polar, at codon 5 of the CLCN7 protein (p.Ser5Phe). The frequency data for this variant in the population databases is considered unreliable, as metrics indicate poor data quality at this position in the gnomAD database. This variant has not been reported in the literature in individuals affected with CLCN7-related conditions. ClinVar contains an entry for this variant (Variation ID: 1365720). An algorithm developed to predict the effect of missense changes on protein structure and function (PolyPhen-2) suggests that this variant is likely to be tolerated. In summary, the available evidence is currently insufficient to determine the role of this variant in disease. Therefore, it has been classified as a Variant of Uncertain Significance.

NM_001287.6(CLCN7):c.14C>T (p.Ser5Phe)

Genes: CLCN7 (chloride voltage-gated channel 7; minus strand), LOC130058166 (ATAC-STARR-seq lymphoblastoid silent region 6986; plus strand). Cytogenetic location: 16p13.3.
Variant type: single nucleotide variant.
Coding change: c.14C>T on transcript NM_001287.6 (MANE Select); coding-DNA position 14, C replaced by T.
Protein change: p.Ser5Phe; replaces serine 5 with phenylalanine.
Molecular consequence: missense variant.
Genome position (GRCh38, 1-based): chr16:1,474,961, G>A on the plus strand (C>T on the coding strand, the complement: CLCN7 is on the minus strand). VCF-style: chr16-1474961-G-A. GRCh37 (hg19) VCF-style: chr16-1524962-G-A.
Other names: c.14C>T (NM_001287.4); c.14C>T, p.Ser5Phe (NM_001114331.3); short protein forms S5F.
Identifiers: ClinVar variation 1365720 (VCV001365720.7), dbSNP rs745864670, ClinGen allele CA7810952.
Genomic context (GRCh38, chr16:1,474,961, plus strand): 5'-CGCAGCAGCGGCGCCGCCTCCTCGTCGTCCCGGTCCCGGCCGGACCAGGACACCTTCTTA[G>A]AGACGTTGGCCATGGCCCGCCGCGGAGCGACACCGGCCGGGAAGCGCCGGCTGCCCCCGT-3'
Protein context (NP_001278.1, residues 1-15): MANV[Ser5Phe]KKVSWSGRDR